The following is an entry in ClinVar:

NM_033380.3(COL4A5):c.2392A>T (p.Lys798Ter)

Gene: COL4A5 (collagen type IV alpha 5 chain; plus strand). Cytogenetic location: Xq22.3.
Variant type: single nucleotide variant.
Coding change: c.2392A>T on transcript NM_033380.3 (MANE Select); coding-DNA position 2392, A replaced by T.
Protein change: p.Lys798Ter; replaces lysine 798 with a stop codon.
Molecular consequence: nonsense.
Genome position (GRCh38, 1-based): chrX:108,606,889, A>T. VCF-style: chrX-108606889-A-T. GRCh37 (hg19) VCF-style: chrX-107850119-A-T.
Other names: c.2392A>T, p.Lys798Ter (NM_000495.5); short protein forms K798*.
Identifiers: ClinVar variation 983615 (VCV000983615.3), dbSNP rs1298839151, ClinGen allele CA413849231.

ClinVar aggregate classification (germline): Likely pathogenic (1 of 4 stars; one submission).

Conditions:
X-linked Alport syndrome (ATS1). Also called: NEPHROPATHY AND DEAFNESS, X-LINKED; COL4A5-Related Nephropathy. Identifiers: Orphanet 63, Orphanet 88917, MedGen C4746986, MONDO:0010520, OMIM 301050.

Submission:

Myriad Genetics, Inc.
Classification: Likely pathogenic for X-linked Alport syndrome. Last evaluated: 2020-02-07. Review status: criteria provided, single submitter. Criteria: Myriad Women's Health Autosomal Recessive and X-Linked Classification Criteria (2019). Collection method: clinical testing. Allele origin: unknown.
Comment: NM_000495.4(COL4A5):c.2392A>T(K798*) is expected to be pathogenic in the context of X-linked Alport syndrome. This variant is predicted to lead to an abnormal or absent protein product due to the creation of a premature termination codon in COL4A5, a gene where loss-of-function variants are known to be pathogenic. Please note: this variant was assessed in the context of healthy population screening.